The following is an entry in ClinVar:

NM_000059.4(BRCA2):c.3936T>C (p.Asn1312=)

Gene: BRCA2 (BRCA2 DNA repair associated; plus strand). Cytogenetic location: 13q13.1.
Variant type: single nucleotide variant.
Coding change: c.3936T>C on transcript NM_000059.4 (MANE Select); coding-DNA position 3936, T replaced by C.
Protein change: p.Asn1312=; no amino-acid change (asparagine 1312 retained).
Molecular consequence: synonymous variant.
Genome position (GRCh38, 1-based): chr13:32,338,291, T>C. VCF-style: chr13-32338291-T-C. GRCh37 (hg19) VCF-style: chr13-32912428-T-C.
Identifiers: ClinVar variation 231508 (VCV000231508.16), dbSNP rs876659198, ClinGen allele CA10579596.

ClinVar aggregate classification (germline): Likely benign. Review status: reviewed by expert panel (3 of 4 stars). 3 submissions from 3 submitters: Likely benign (1). 2 of the submissions do not count toward it. Last evaluated 2017-06-29.

Conditions:
Hereditary cancer-predisposing syndrome. Also called: Hereditary Cancer Syndrome; Neoplastic Syndromes, Hereditary; Tumor predisposition; Hereditary neoplastic syndrome. Identifiers: Orphanet 140162, MedGen C0027672, MeSH D009386, MONDO:0015356.
Breast-ovarian cancer, familial, susceptibility to, 2 (BROVCA2). Also called: BRCA2 Hereditary Breast and Ovarian Cancer. Identifiers: Orphanet 145, MedGen C2675520, MONDO:0012933, OMIM 612555. Disease mechanism: loss of function.
Hereditary breast ovarian cancer syndrome. Also called: Hereditary breast and/or ovarian cancer syndrome; BRCA1- and BRCA2-Associated Hereditary Breast and Ovarian Cancer; Hereditary breast and ovarian cancer syndrome (HBOC); Hereditary breast and ovarian cancer; Hereditary breast and ovarian cancer syndrome; Breast and ovarian cancer. Identifiers: Orphanet 145, MedGen C0677776, MeSH D061325, MONDO:0003582. Disease mechanism: loss of function.

Allele frequency attached by ClinVar (database versions not stated): gnomAD 0.00001; TOPMed 0.00001.
gnomAD v4.1: 1 of 1,575,360 alleles (0.000063%); highest among the groups gnomAD compares: African/African-American, 0.0014%; no homozygotes.

Submissions (3):

Evidence-based Network for the Interpretation of Germline Mutant Alleles (ENIGMA)
Classification: Likely benign for Breast-ovarian cancer, familial, susceptibility to, 2. Last evaluated: 2017-06-29. Review status: reviewed by expert panel. Criteria: ENIGMA BRCA1/2 Classification Criteria (2017-06-29). Collection method: curation. Allele origin: germline.
Comment: Synonymous substitution variant, with low bioinformatic likelihood to result in a splicing aberration (Splicing prior probability 0.02).

Labcorp Genetics (formerly Invitae), Labcorp
Classification: Likely benign for Hereditary breast ovarian cancer syndrome. Last evaluated: 2024-08-10. Review status: criteria provided, single submitter. Criteria: Invitae Variant Classification Sherloc (09022015). Collection method: clinical testing. Allele origin: germline. Not counted in ClinVar's aggregate classification.

Ambry Genetics
Classification: Likely benign for Hereditary cancer-predisposing syndrome. Last evaluated: 2015-04-27. Review status: criteria provided, single submitter. Criteria: Ambry Variant Classification Scheme 2023. Collection method: clinical testing. Allele origin: germline. Not counted in ClinVar's aggregate classification.